The following is an entry in ClinVar:

Conditions:
Arteriohepatic dysplasia. Also called: Alagille Syndrome. Identifiers: Orphanet 52, MedGen C0085280, MeSH D016738, MONDO:0007318.

Submission:

Gilbert/Spinner Lab, Children's Hospital of Philadelphia
No classification provided (evidence only). Condition: Alagille syndrome. Review status: no classification provided. Collection method: research. Allele origin: not applicable. Functional consequence: functionally_abnormal.
ClinVar note: "not provided" was previously submitted as the classification for the variant. However, the classification appeared to be based only on an observation of functional data so it was converted to no classification on 2025-07-30.

NM_000214.3(JAG1):c.360C>A (p.Ile120=)

Gene: JAG1 (jagged canonical Notch ligand 1; minus strand). Cytogenetic location: 20p12.2.
Variant type: single nucleotide variant.
Coding change: c.360C>A on transcript NM_000214.3 (MANE Select); coding-DNA position 360, C replaced by A.
Protein change: p.Ile120=; no amino-acid change (isoleucine 120 retained).
Molecular consequence: synonymous variant.
Genome position (GRCh38, 1-based): chr20:10,672,728, G>T on the plus strand (C>A on the coding strand, the complement: JAG1 is on the minus strand). VCF-style: chr20-10672728-G-T. GRCh37 (hg19) VCF-style: chr20-10653376-G-T.
Identifiers: ClinVar variation 3573446 (VCV003573446.2).